The following is an entry in ClinVar:

NM_005051.3(QARS1):c.2223C>G (p.Phe741Leu)

Gene: QARS1 (glutaminyl-tRNA synthetase 1; minus strand). Cytogenetic location: 3p21.31.
Variant type: single nucleotide variant.
Coding change: c.2223C>G on transcript NM_005051.3 (MANE Select); coding-DNA position 2223, C replaced by G.
Protein change: p.Phe741Leu; replaces phenylalanine 741 with leucine.
Molecular consequence: missense variant. On other transcripts: non-coding transcript variant (1).
Genome position (GRCh38, 1-based): chr3:49,098,046, G>C on the plus strand (C>G on the coding strand, the complement: QARS1 is on the minus strand). VCF-style: chr3-49098046-G-C. GRCh37 (hg19) VCF-style: chr3-49135479-G-C.
Other names: c.2190C>G, p.Phe730Leu (NM_001272073.2); c.2223C>G (NM_005051.1); short protein forms F730L, F741L.
Identifiers: ClinVar variation 1446396 (VCV001446396.4), dbSNP rs1282040984, ClinGen allele CA352696959.

ClinVar aggregate classification (germline): Uncertain significance. Review status: criteria provided, multiple submitters, no conflicts (2 of 4 stars). 2 submissions from 2 submitters: Uncertain significance (2). Last evaluated 2025-10-02.

Conditions:
Inborn genetic diseases. Identifiers: MedGen C0950123, MeSH D030342.
Diffuse cerebral and cerebellar atrophy - intractable seizures - progressive microcephaly syndrome. Also called: Microcephaly, progressive, with seizures and cerebral and cerebellar atrophy. Identifiers: Orphanet 404437, MedGen C4014239, MONDO:0014335, OMIM 615760.

Allele frequency attached by ClinVar (database versions not stated): gnomAD exomes below 0.00001 and 0.00001; TOPMed 0.00001; gnomAD 0.00003.
gnomAD v4.1: 8 of 1,614,064 alleles (0.0005%); highest among the groups gnomAD compares: African/African-American, 0.0093%; no homozygotes.

Submissions (2):

Ambry Genetics
Classification: Uncertain significance for Inborn genetic diseases. Last evaluated: 2025-10-02. Review status: criteria provided, single submitter. Criteria: Ambry Variant Classification Scheme 2023. Collection method: clinical testing. Allele origin: germline.

Labcorp Genetics (formerly Invitae), Labcorp
Classification: Uncertain significance for Diffuse cerebral and cerebellar atrophy - intractable seizures - progressive microcephaly syndrome. Last evaluated: 2022-08-10. Review status: criteria provided, single submitter. Criteria: Invitae Variant Classification Sherloc (09022015). Collection method: clinical testing. Allele origin: germline.
Comment: This sequence change replaces phenylalanine, which is neutral and non-polar, with leucine, which is neutral and non-polar, at codon 741 of the QARS protein (p.Phe741Leu). This variant is present in population databases (no rsID available, gnomAD 0.02%). This variant has not been reported in the literature in individuals affected with QARS-related conditions. ClinVar contains an entry for this variant (Variation ID: 1446396). Algorithms developed to predict the effect of missense changes on protein structure and function are either unavailable or do not agree on the potential impact of this missense change (SIFT: "Deleterious"; PolyPhen-2: "Benign"; Align-GVGD: "Class C15"). In summary, the available evidence is currently insufficient to determine the role of this variant in disease. Therefore, it has been classified as a Variant of Uncertain Significance.